The following is an entry in ClinVar:

ClinVar aggregate classification (germline): Uncertain significance (1 of 4 stars; one submission).

Allele frequency attached by ClinVar (database versions not stated): gnomAD exomes below 0.00001 and 0.00001; ExAC 0.00001; gnomAD 0.00001; TOPMed 0.00001; 1000 Genomes Project 30x 0.00016; 1000 Genomes Project 0.00020.
gnomAD v4.1: 4 of 1,614,054 alleles (0.00025%); highest among the groups gnomAD compares: East Asian, 0.0022%; no homozygotes.

Submission:

Labcorp Genetics (formerly Invitae), Labcorp
Classification: Uncertain significance. Last evaluated: 2024-04-15. Review status: criteria provided, single submitter. Criteria: Invitae Variant Classification Sherloc (09022015). Collection method: clinical testing. Allele origin: germline.
Comment: This sequence change replaces asparagine, which is neutral and polar, with serine, which is neutral and polar, at codon 230 of the DNASE1L3 protein (p.Asn230Ser). This variant is present in population databases (rs536813039, gnomAD 0.006%). This variant has not been reported in the literature in individuals affected with DNASE1L3-related conditions. ClinVar contains an entry for this variant (Variation ID: 1486876). Algorithms developed to predict the effect of missense changes on protein structure and function output the following: SIFT: "Not Available"; PolyPhen-2: "Benign"; Align-GVGD: "Not Available". The serine amino acid residue is found in multiple mammalian species, which suggests that this missense change does not adversely affect protein function. In summary, the available evidence is currently insufficient to determine the role of this variant in disease. Therefore, it has been classified as a Variant of Uncertain Significance.

NM_004944.4(DNASE1L3):c.689A>G (p.Asn230Ser)

Gene: DNASE1L3 (deoxyribonuclease 1L3; minus strand). Cytogenetic location: 3p14.3.
Variant type: single nucleotide variant.
Coding change: c.689A>G on transcript NM_004944.4 (MANE Select); coding-DNA position 689, A replaced by G.
Protein change: p.Asn230Ser; replaces asparagine 230 with serine.
Molecular consequence: missense variant.
Genome position (GRCh38, 1-based): chr3:58,197,836, T>C on the plus strand (A>G on the coding strand, the complement: DNASE1L3 is on the minus strand). VCF-style: chr3-58197836-T-C. GRCh37 (hg19) VCF-style: chr3-58183563-T-C.
Other names: c.599A>G, p.Asn200Ser (NM_001256560.2); short protein forms N200S, N230S.
Identifiers: ClinVar variation 1486876 (VCV001486876.6), dbSNP rs536813039, ClinGen allele CA2469895.